The following is an entry in ClinVar:

ClinVar aggregate classification (germline): Pathogenic/Likely pathogenic. Review status: criteria provided, multiple submitters, no conflicts (2 of 4 stars). 3 submissions from 3 submitters: Pathogenic (2); Likely pathogenic (1). Last evaluated 2024-03-07.

Conditions:
Hermansky-Pudlak syndrome 5 (HPS5). Identifiers: Orphanet 231512, Orphanet 79430, MedGen C3888004, MONDO:0013557, OMIM 614074.
Hermansky-Pudlak syndrome (HPS). Also called: ALBINISM WITH HEMORRHAGIC DIATHESIS AND PIGMENTED RETICULOENDOTHELIAL CELLS. Identifiers: Orphanet 79430, MedGen C0079504, MONDO:0019312.

Allele frequency attached by ClinVar (database versions not stated): gnomAD below 0.00001 and 0.00001.
gnomAD v4.1: 6 of 1,604,888 alleles (0.00037%); highest among the groups gnomAD compares: South Asian, 0.0056%; no homozygotes.

Submissions (3):

Fulgent Genetics
Classification: Pathogenic for Hermansky-Pudlak syndrome 5. Last evaluated: 2024-03-07. Review status: criteria provided, single submitter. Criteria: ACMG Guidelines, 2015. Collection method: clinical testing. Allele origin: germline.

Labcorp Genetics (formerly Invitae), Labcorp
Classification: Pathogenic. Last evaluated: 2023-08-23. Review status: criteria provided, single submitter. Criteria: Invitae Variant Classification Sherloc (09022015). Collection method: clinical testing. Allele origin: germline.
Comment: For these reasons, this variant has been classified as Pathogenic. ClinVar contains an entry for this variant (Variation ID: 627032). This premature translational stop signal has been observed in individual(s) with clinical features of HPS5-related disorders (PMID: 31064749). This variant is present in population databases (rs779921624, gnomAD 0.007%). This sequence change creates a premature translational stop signal (p.Ser679*) in the HPS5 gene. It is expected to result in an absent or disrupted protein product. Loss-of-function variants in HPS5 are known to be pathogenic (PMID: 12548288, 15296495, 21833017, 26785811).

NIHR Bioresource Rare Diseases, University of Cambridge
Classification: Likely pathogenic for Hermansky-Pudlak syndrome. Last evaluated: 2019-02-01. Review status: criteria provided, single submitter. Criteria: ACMG Guidelines, 2015. Collection method: research. Allele origin: unknown. Affected: yes. Observed: 1 homozygote. Study: ThromboGenomics.

Literature cited by the submitters: PubMed 31064749 (cited by Labcorp Genetics (formerly Invitae), Labcorp and NIHR Bioresource Rare Diseases, University of Cambridge); PubMed 12548288 (cited by Labcorp Genetics (formerly Invitae), Labcorp); PubMed 15296495 (cited by Labcorp Genetics (formerly Invitae), Labcorp); PubMed 21833017 (cited by Labcorp Genetics (formerly Invitae), Labcorp); PubMed 26785811 (cited by Labcorp Genetics (formerly Invitae), Labcorp).

NM_181507.2(HPS5):c.2036C>G (p.Ser679Ter)

Gene: HPS5 (HPS5 biogenesis of lysosomal organelles complex 2 subunit 2; minus strand). Cytogenetic location: 11p15.1.
Variant type: single nucleotide variant.
Coding change: c.2036C>G on transcript NM_181507.2 (MANE Select); coding-DNA position 2036, C replaced by G.
Protein change: p.Ser679Ter; replaces serine 679 with a stop codon.
Molecular consequence: nonsense.
Genome position (GRCh38, 1-based): chr11:18,291,846, G>C on the plus strand (C>G on the coding strand, the complement: HPS5 is on the minus strand). VCF-style: chr11-18291846-G-C. GRCh37 (hg19) VCF-style: chr11-18313393-G-C.
Other names: c.1694C>G, p.Ser565Ter (NM_181508.2, NM_007216.4); short protein forms S679*, S565*.
Identifiers: ClinVar variation 627032 (VCV000627032.6), dbSNP rs779921624, ClinGen allele CA5909940.